The following is an entry in ClinVar:

ClinVar aggregate classification (germline): Uncertain significance (1 of 4 stars; one submission).

Conditions:
Hereditary cancer-predisposing syndrome. Also called: Neoplastic Syndromes, Hereditary; Tumor predisposition; Hereditary Cancer Syndrome; Hereditary neoplastic syndrome. Identifiers: Orphanet 140162, MedGen C0027672, MeSH D009386, MONDO:0015356.

Submission:

Ambry Genetics
Classification: Uncertain significance for Hereditary cancer-predisposing syndrome. Last evaluated: 2021-01-04. Review status: criteria provided, single submitter. Criteria: Ambry Variant Classification Scheme 2023. Collection method: clinical testing. Allele origin: germline.
Comment: The p.H126P variant (also known as c.377A>C), located in coding exon 5 of the RAD51D gene, results from an A to C substitution at nucleotide position 377. The histidine at codon 126 is replaced by proline, an amino acid with similar properties. This amino acid position is well conserved in available vertebrate species. In addition, the in silico prediction for this alteration is inconclusive. Since supporting evidence is limited at this time, the clinical significance of this alteration remains unclear.

NM_002878.4(RAD51D):c.377A>C (p.His126Pro)

Genes: RAD51D (RAD51 paralog D; minus strand), RAD51L3-RFFL (RAD51L3-RFFL readthrough; minus strand). Cytogenetic location: 17q12.
Variant type: single nucleotide variant.
Coding change: c.377A>C on transcript NM_002878.4 (MANE Select); coding-DNA position 377, A replaced by C.
Protein change: p.His126Pro; replaces histidine 126 with proline.
Molecular consequence: missense variant. On other transcripts: non-coding transcript variant (1), intron variant (1).
Genome position (GRCh38, 1-based): chr17:35,107,091, T>G on the plus strand (A>C on the coding strand, the complement: RAD51D is on the minus strand). VCF-style: chr17-35107091-T-G. GRCh37 (hg19) VCF-style: chr17-33434110-T-G.
Other names: c.437A>C, p.His146Pro (NM_001142571.2); c.145-610A>C (NM_133629.3); short protein forms H126P, H146P.
Identifiers: ClinVar variation 1734823 (VCV001734823.2), dbSNP rs144603589, ClinGen allele CA399089346.